The following is an entry in ClinVar:

ClinVar aggregate classification (germline): Uncertain significance (1 of 4 stars; one submission).

Allele frequency attached by ClinVar (database versions not stated): gnomAD 0.00001; 1000 Genomes Project 30x 0.00031; 1000 Genomes Project 0.00040.

Submission:

Labcorp Genetics (formerly Invitae), Labcorp
Classification: Uncertain significance. Last evaluated: 2022-05-31. Review status: criteria provided, single submitter. Criteria: Invitae Variant Classification Sherloc (09022015). Collection method: clinical testing. Allele origin: germline.
Comment: This variant is present in population databases (rs191604615, gnomAD 0.003%). This sequence change replaces arginine, which is basic and polar, with cysteine, which is neutral and slightly polar, at codon 200 of the ADGRA3 protein (p.Arg200Cys). Algorithms developed to predict the effect of missense changes on protein structure and function are either unavailable or do not agree on the potential impact of this missense change (SIFT: "Deleterious"; PolyPhen-2: "Possibly Damaging"; Align-GVGD: "Class C0"). This variant has not been reported in the literature in individuals affected with ADGRA3-related conditions. Algorithms developed to predict the effect of sequence changes on RNA splicing suggest that this variant may disrupt the consensus splice site. In summary, the available evidence is currently insufficient to determine the role of this variant in disease. Therefore, it has been classified as a Variant of Uncertain Significance.

NM_145290.4(ADGRA3):c.598C>T (p.Arg200Cys)

Gene: ADGRA3 (adhesion G protein-coupled receptor A3; minus strand). Cytogenetic location: 4p15.2.
Variant type: single nucleotide variant.
Coding change: c.598C>T on transcript NM_145290.4 (MANE Select); coding-DNA position 598, C replaced by T.
Protein change: p.Arg200Cys; replaces arginine 200 with cysteine.
Molecular consequence: missense variant.
Genome position (GRCh38, 1-based): chr4:22,445,081, G>A on the plus strand (C>T on the coding strand, the complement: ADGRA3 is on the minus strand). VCF-style: chr4-22445081-G-A. GRCh37 (hg19) VCF-style: chr4-22446704-G-A.
Other names: short protein forms R200C.
Identifiers: ClinVar variation 1901211 (VCV001901211.5), dbSNP rs191604615, ClinGen allele CA2874195.
Genomic context (GRCh38, chr4:22,445,081, plus strand): 5'-GTGACTTAGGATAAACACACCTGGTATCCCGTACCGTGATGTTCTTCTCCTTTACCCAGC[G>A]ATGCATCCACAGTATGTTACAGTCACACAAAAGATACTCAGTCTGGAATTCCCTGTAACA-3'
Protein context (NP_660333.2, residues 190-210): LCDCNILWMH[Arg200Cys]WVKEKNITVR